The following is an entry in ClinVar:

NM_024529.5(CDC73):c.380C>T (p.Ala127Val)

Gene: CDC73 (cell division cycle 73; plus strand). Cytogenetic location: 1q31.2.
Variant type: single nucleotide variant.
Coding change: c.380C>T on transcript NM_024529.5 (MANE Select); coding-DNA position 380, C replaced by T.
Protein change: p.Ala127Val; replaces alanine 127 with valine.
Molecular consequence: missense variant.
Genome position (GRCh38, 1-based): chr1:193,135,546, C>T. VCF-style: chr1-193135546-C-T. GRCh37 (hg19) VCF-style: chr1-193104676-C-T.
Other names: short protein forms A127V.
Identifiers: ClinVar variation 576255 (VCV000576255.16), dbSNP rs1558282443, ClinGen allele CA343960625.

ClinVar aggregate classification (germline): Uncertain significance. Review status: criteria provided, multiple submitters, no conflicts (2 of 4 stars). 3 submissions from 3 submitters: Uncertain significance (3). Last evaluated 2026-01-13.

Conditions:
Hyperparathyroidism 1 (HRPT1). Also called: HYPERPARATHYROIDISM, FAMILIAL ISOLATED PRIMARY. Identifiers: Orphanet 99879, MedGen C1840402, MONDO:0007767, OMIM 145000.
Hyperparathyroidism 2 with jaw tumors. Also called: Hyperparathyroidism 2; HYPERPARATHYROIDISM, FAMILIAL PRIMARY, WITH MULTIPLE OSSIFYING JAW FIBROMAS; HYPERPARATHYROIDISM-JAW TUMOR SYNDROME, HEREDITARY; Hyperparathyroidism-Jaw Tumor Syndrome. Identifiers: Orphanet 99880, MedGen C1704981, MONDO:0007768, OMIM 145001.
Parathyroid carcinoma (PRTC). Also called: Parathyroid gland carcinoma; CDC73-Related Parathyroid Carcinoma. Identifiers: Orphanet 143, MedGen C0687150, MONDO:0012004, OMIM 608266, HP:0006780.
Hereditary cancer-predisposing syndrome. Also called: Hereditary neoplastic syndrome; Tumor predisposition; Hereditary Cancer Syndrome; Neoplastic Syndromes, Hereditary. Identifiers: Orphanet 140162, MedGen C0027672, MeSH D009386, MONDO:0015356.

Allele frequency attached by ClinVar (database versions not stated): gnomAD exomes below 0.00001; TOPMed below 0.00001.

Submissions (3):

Labcorp Genetics (formerly Invitae), Labcorp
Classification: Uncertain significance for Parathyroid carcinoma. Last evaluated: 2026-01-13. Review status: criteria provided, single submitter. Criteria: Invitae Variant Classification Sherloc (09022015). Collection method: clinical testing. Allele origin: germline.
Comment: This sequence change replaces alanine, which is neutral and non-polar, with valine, which is neutral and non-polar, at codon 127 of the CDC73 protein (p.Ala127Val). This variant is not present in population databases (gnomAD no frequency). This variant has not been reported in the literature in individuals affected with CDC73-related conditions. ClinVar contains an entry for this variant (Variation ID: 576255). Invitae Evidence Modeling of protein sequence and biophysical properties (such as structural, functional, and spatial information, amino acid conservation, physicochemical variation, residue mobility, and thermodynamic stability) indicates that this missense variant is not expected to disrupt CDC73 protein function with a negative predictive value of 80%. In summary, the available evidence is currently insufficient to determine the role of this variant in disease. Therefore, it has been classified as a Variant of Uncertain Significance.

Ambry Genetics
Classification: Uncertain significance for Hereditary cancer-predisposing syndrome. Last evaluated: 2025-06-08. Review status: criteria provided, single submitter. Criteria: Ambry Variant Classification Scheme 2023. Collection method: clinical testing. Allele origin: germline.
Comment: The p.A127V variant (also known as c.380C>T), located in coding exon 5 of the CDC73 gene, results from a C to T substitution at nucleotide position 380. The alanine at codon 127 is replaced by valine, an amino acid with similar properties. This amino acid position is highly conserved in available vertebrate species. In addition, this alteration is predicted to be tolerated by in silico analysis. Since supporting evidence is limited at this time, the clinical significance of this alteration remains unclear.

Fulgent Genetics
Classification: Uncertain significance for Hyperparathyroidism 1; Hyperparathyroidism 2 with jaw tumors; Parathyroid carcinoma. Last evaluated: 2022-04-20. Review status: criteria provided, single submitter. Criteria: ACMG Guidelines, 2015. Collection method: clinical testing. Allele origin: unknown.